The following is an entry in ClinVar:

NM_001378452.1(ITPR1):c.7959C>T (p.Ile2653=)

Gene: ITPR1 (inositol 1,4,5-trisphosphate receptor type 1; plus strand). Cytogenetic location: 3p26.1.
Variant type: single nucleotide variant.
Coding change: c.7959C>T on transcript NM_001378452.1 (MANE Select); coding-DNA position 7959, C replaced by T.
Protein change: p.Ile2653=; no amino-acid change (isoleucine 2653 retained).
Molecular consequence: synonymous variant.
Genome position (GRCh38, 1-based): chr3:4,818,173, C>T. VCF-style: chr3-4818173-C-T. GRCh37 (hg19) VCF-style: chr3-4859857-C-T.
Other names: c.7815C>T, p.Ile2605= (NM_001099952.4); c.7914C>T, p.Ile2638= (NM_001168272.2); c.7770C>T, p.Ile2590= (NM_002222.7).
Identifiers: ClinVar variation 197990 (VCV000197990.18), dbSNP rs371988852, ClinGen allele CA246428.

ClinVar aggregate classification (germline): Conflicting classifications of pathogenicity. Review status: criteria provided, conflicting classifications (1 of 4 stars). 5 submissions from 5 submitters: Uncertain significance (1); Benign (2); Likely benign (1). 1 of the submissions does not count toward it. Last evaluated 2025-12-10.

Conditions:
ITPR1-related disorder. Also called: ITPR1-related condition.

Allele frequency attached by ClinVar (database versions not stated): ESP Exome Variant Server 0.00008; gnomAD exomes 0.00009 and 0.00013; ExAC 0.00015; gnomAD 0.00035; TOPMed 0.00041; 1000 Genomes Project 30x 0.00062; 1000 Genomes Project 0.00080.
gnomAD v4.1: 181 of 1,604,930 alleles (0.011%); highest among the groups gnomAD compares: African/African-American, 0.1%; 1 homozygote.

Submissions (5):

Labcorp Genetics (formerly Invitae), Labcorp
Classification: Benign. Last evaluated: 2025-12-10. Review status: criteria provided, single submitter. Criteria: Invitae Variant Classification Sherloc (09022015). Collection method: clinical testing. Allele origin: germline.

GeneDx
Classification: Likely benign. Last evaluated: 2021-04-15. Review status: criteria provided, single submitter. Criteria: GeneDx Variant Classification Process June 2021. Collection method: clinical testing. Allele origin: germline. Affected: yes.

Athena Diagnostics
Classification: Benign. Last evaluated: 2016-12-09. Review status: criteria provided, single submitter. Criteria: Athena Diagnostics Criteria. Collection method: clinical testing. Allele origin: germline.

Eurofins Ntd Llc (ga)
Classification: Uncertain significance. Last evaluated: 2014-07-08. Review status: criteria provided, single submitter. Criteria: EGL Classification Definitions 2015. Collection method: clinical testing. Allele origin: germline. Observed: 1 variant allele, 1 heterozygote.

PreventionGenetics, part of Exact Sciences
Classification: Likely benign for ITPR1-related condition. Last evaluated: 2019-07-11. Review status: no assertion criteria provided. Collection method: clinical testing. Allele origin: germline. Not counted in ClinVar's aggregate classification.
Comment: This variant is classified as likely benign based on ACMG/AMP sequence variant interpretation guidelines (Richards et al. 2015 PMID: 25741868, with internal and published modifications).